The following is an entry in ClinVar:

ClinVar aggregate classification (germline): Conflicting classifications of pathogenicity. Review status: criteria provided, conflicting classifications (1 of 4 stars). 3 submissions from 2 submitters: Uncertain significance (2); Likely benign (1). Last evaluated 2024-02-08.

Conditions:
Chondrodysplasia Blomstrand type (BOCD). Identifiers: Orphanet 50945, MedGen C1859148, MONDO:0008970, OMIM 215045.
Metaphyseal chondrodysplasia, Jansen type. Also called: Metaphyseal chondrodysplasia Murk Jansen type; PTH1R-Related Jansen Metaphyseal Chondrodysplasia. Identifiers: Orphanet 33067, MedGen C0265295, MONDO:0007982, OMIM 156400.
Primary failure of tooth eruption. Also called: DENTAL NONERUPTION; PRIMARY RETENTION OF TEETH; UNERUPTED SECOND PRIMARY MOLAR; POSTERIOR OPENBITE MALOCCLUSION, FAMILIAL. Identifiers: Orphanet 412206, MedGen C1852222, MONDO:0007434, OMIM 125350.
Eiken syndrome (EKNS). Also called: BONE MODELING DEFECT OF HANDS AND FEET. Identifiers: Orphanet 79106, MedGen C1838779, MONDO:0010803, OMIM 600002.

Allele frequency attached by ClinVar (database versions not stated): gnomAD 0.00001; TOPMed 0.00002; gnomAD exomes 0.00003 and 0.00004; ExAC 0.00007.
gnomAD v4.1: 48 of 1,614,028 alleles (0.003%); highest among the groups gnomAD compares: Non-Finnish European, 0.0038%; no homozygotes.

Submissions (3):

Fulgent Genetics
Classification: Uncertain significance for Primary failure of tooth eruption; Metaphyseal chondrodysplasia, Jansen type; Chondrodysplasia Blomstrand type; Eiken syndrome. Last evaluated: 2024-02-08. Review status: criteria provided, single submitter. Criteria: ACMG Guidelines, 2015. Collection method: clinical testing. Allele origin: germline.

Illumina Laboratory Services, Illumina
Classification: Uncertain significance for Chondrodysplasia Blomstrand type. Last evaluated: 2018-01-12. Review status: criteria provided, single submitter. Criteria: ICSL Variant Classification Criteria 13 December 2019. Collection method: clinical testing. Allele origin: germline.

Illumina Laboratory Services, Illumina
Classification: Likely benign for Metaphyseal chondrodysplasia, Jansen type. Last evaluated: 2018-01-12. Review status: criteria provided, single submitter. Criteria: ICSL Variant Classification Criteria 13 December 2019. Collection method: clinical testing. Allele origin: germline.
Comment: This variant was observed in the ICSL laboratory as part of a predisposition screen in an ostensibly healthy population. It had not been previously curated by ICSL or reported in the Human Gene Mutation Database (HGMD: prior to June 1st, 2018), and was therefore a candidate for classification through an automated scoring system. Utilizing variant allele frequency, disease prevalence and penetrance estimates, and inheritance mode, an automated score was calculated to assess if this variant is too frequent to cause the disease. Based on the score and internal cut-off values, a variant classified as likely benign is not then subjected to further curation. The score for this variant resulted in a classification of likely benign for this disease.

NM_000316.3(PTH1R):c.137C>A (p.Ala46Asp)

Gene: PTH1R (parathyroid hormone 1 receptor; plus strand). Cytogenetic location: 3p21.31.
Variant type: single nucleotide variant.
Coding change: c.137C>A on transcript NM_000316.3 (MANE Select); coding-DNA position 137, C replaced by A.
Protein change: p.Ala46Asp; replaces alanine 46 with aspartic acid.
Molecular consequence: missense variant.
Genome position (GRCh38, 1-based): chr3:46,893,968, C>A. VCF-style: chr3-46893968-C-A. GRCh37 (hg19) VCF-style: chr3-46935458-C-A.
Other names: c.137C>A, p.Ala46Asp (NM_001184744.1); short protein forms A46D.
Identifiers: ClinVar variation 900527 (VCV000900527.5), dbSNP rs199670451, ClinGen allele CA2359088.